The following is an entry in ClinVar:

NM_006231.4(POLE):c.5506G>T (p.Ala1836Ser)

Gene: POLE (DNA polymerase epsilon, catalytic subunit; minus strand). Cytogenetic location: 12q24.33.
Variant type: single nucleotide variant.
Coding change: c.5506G>T on transcript NM_006231.4 (MANE Select); coding-DNA position 5506, G replaced by T.
Protein change: p.Ala1836Ser; replaces alanine 1836 with serine.
Molecular consequence: missense variant.
Genome position (GRCh38, 1-based): chr12:132,639,171, C>A on the plus strand (G>T on the coding strand, the complement: POLE is on the minus strand). VCF-style: chr12-132639171-C-A. GRCh37 (hg19) VCF-style: chr12-133215757-C-A.
Other names: short protein forms A1836S.
Identifiers: ClinVar variation 2850762 (VCV002850762.3), dbSNP rs2541872292, ClinGen allele CA387374625.

ClinVar aggregate classification (germline): Uncertain significance (1 of 4 stars; one submission).

Allele frequency attached by ClinVar (database versions not stated): gnomAD exomes below 0.00001.

Submission:

Labcorp Genetics (formerly Invitae), Labcorp
Classification: Uncertain significance. Last evaluated: 2023-03-29. Review status: criteria provided, single submitter. Criteria: Invitae Variant Classification Sherloc (09022015). Collection method: clinical testing. Allele origin: germline.
Comment: This variant has not been reported in the literature in individuals affected with POLE-related conditions. This variant is not present in population databases (gnomAD no frequency). This sequence change replaces alanine, which is neutral and non-polar, with serine, which is neutral and polar, at codon 1836 of the POLE protein (p.Ala1836Ser). In summary, the available evidence is currently insufficient to determine the role of this variant in disease. Therefore, it has been classified as a Variant of Uncertain Significance. Advanced modeling of protein sequence and biophysical properties (such as structural, functional, and spatial information, amino acid conservation, physicochemical variation, residue mobility, and thermodynamic stability) performed at Invitae indicates that this missense variant is not expected to disrupt POLE protein function.